The following is an entry in ClinVar:

ClinVar aggregate classification (germline): Uncertain significance (1 of 4 stars; one submission).

Conditions:
Pheochromocytoma. Also called: MAX-Related Hereditary Paraganglioma-Pheochromocytoma Syndrome. Identifiers: Orphanet 29072, MedGen C0031511, MONDO:0008233, OMIM 171300, HP:0002666.
Gastrointestinal stromal tumor. Also called: Gastrointestinal stromal tumor, somatic; Gastrointestinal stroma tumor. Identifiers: Orphanet 44890, MedGen C0238198, MeSH D046152, MONDO:0011719, OMIM 606764, HP:0100723.
Pheochromocytoma/paraganglioma syndrome 4. Also called: SDHB-Related Hereditary Paraganglioma-Pheochromocytoma Syndrome; PARAGANGLIOMA, FAMILIAL MALIGNANT; PARAGANGLIOMAS, HEREDITARY EXTRAADRENAL; PHEOCHROMOCYTOMA, FAMILIAL EXTRAADRENAL; Paragangliomas 4; CAROTID BODY TUMORS AND MULTIPLE EXTRAADRENAL PHEOCHROMOCYTOMAS. Identifiers: Orphanet 29072, MedGen C1861848, MONDO:0007273, OMIM 115310.

Submission:

Labcorp Genetics (formerly Invitae), Labcorp
Classification: Uncertain significance for Gastrointestinal stromal tumor; Pheochromocytoma/paraganglioma syndrome 4; Pheochromocytoma. Last evaluated: 2021-08-22. Review status: criteria provided, single submitter. Criteria: Invitae Variant Classification Sherloc (09022015). Collection method: clinical testing. Allele origin: germline.
Comment: Advanced modeling of protein sequence and biophysical properties (such as structural, functional, and spatial information, amino acid conservation, physicochemical variation, residue mobility, and thermodynamic stability) performed at Invitae indicates that this missense variant is not expected to disrupt SDHB protein function. In summary, the available evidence is currently insufficient to determine the role of this variant in disease. Therefore, it has been classified as a Variant of Uncertain Significance. ClinVar contains an entry for this variant (Variation ID: 569798). This variant has not been reported in the literature in individuals affected with SDHB-related conditions. This variant is not present in population databases (ExAC no frequency). This sequence change replaces asparagine with aspartic acid at codon 106 of the SDHB protein (p.Asn106Asp). The asparagine residue is moderately conserved and there is a small physicochemical difference between asparagine and aspartic acid.

NM_003000.3(SDHB):c.316A>G (p.Asn106Asp)

Gene: SDHB (succinate dehydrogenase complex iron sulfur subunit B; minus strand). Cytogenetic location: 1p36.13.
Variant type: single nucleotide variant.
Coding change: c.316A>G on transcript NM_003000.3 (MANE Select); coding-DNA position 316, A replaced by G.
Protein change: p.Asn106Asp; replaces asparagine 106 with aspartic acid.
Molecular consequence: missense variant.
Genome position (GRCh38, 1-based): chr1:17,028,707, T>C on the plus strand (A>G on the coding strand, the complement: SDHB is on the minus strand). VCF-style: chr1-17028707-T-C. GRCh37 (hg19) VCF-style: chr1-17355202-T-C.
Other names: short protein forms N106D.
Identifiers: ClinVar variation 569798 (VCV000569798.6), dbSNP rs1557741510, ClinGen allele CA338274961.